The following is an entry in ClinVar:

NM_013386.5(SLC25A24):c.424G>A (p.Val142Met)

Gene: SLC25A24 (solute carrier family 25 member 24; minus strand). Cytogenetic location: 1p13.3.
Variant type: single nucleotide variant.
Coding change: c.424G>A on transcript NM_013386.5 (MANE Select); coding-DNA position 424, G replaced by A.
Protein change: p.Val142Met; replaces valine 142 with methionine.
Molecular consequence: missense variant.
Genome position (GRCh38, 1-based): chr1:108,161,268, C>T on the plus strand (G>A on the coding strand, the complement: SLC25A24 is on the minus strand). VCF-style: chr1-108161268-C-T. GRCh37 (hg19) VCF-style: chr1-108703890-C-T.
Other names: c.367G>A, p.Val123Met (NM_213651.3); short protein forms V123M, V142M.
Identifiers: ClinVar variation 1683655 (VCV001683655.2), dbSNP rs2101618595, ClinGen allele CA341196189.

ClinVar aggregate classification (germline): Uncertain significance (1 of 4 stars; one submission).

Conditions:
Fontaine progeroid syndrome. Also called: Gorlin-Chaudhry-Moss syndrome; CRANIOFACIAL DYSOSTOSIS, HYPERTRICHOSIS, HYPOPLASIA OF LABIA MAJORA, DENTAL AND EYE ANOMALIES, PATENT DUCTUS ARTERIOSUS, AND NORMAL INTELLIGENCE; Craniofacial dysostosis, patent ductus arteriosus, hypertrichosis, hypoplasia of labia majora, dental and eye anomalies; GCM syndrome; Progeroid syndrome congenital Petty type; Petty Laxova Wiedemann syndrome. Identifiers: Orphanet 2095, MedGen C2676780, MONDO:0012853, OMIM 612289.

Allele frequency attached by ClinVar (database versions not stated): gnomAD exomes below 0.00001.
gnomAD v4.1: 1 of 1,593,190 alleles (0.000063%); highest among the groups gnomAD compares: Non-Finnish European, 0.000086%; no homozygotes.

Submission:

Laboratorio de Genetica e Diagnostico Molecular, Hospital Israelita Albert Einstein
Classification: Uncertain significance for Fontaine progeroid syndrome. Last evaluated: 2021-03-24. Review status: criteria provided, single submitter. Criteria: ACMG Guidelines, 2015. Collection method: clinical testing. Allele origin: germline. Affected: yes.
Comment: ACMG classification criteria: PM2